The following is an entry in ClinVar:

ClinVar aggregate classification (germline): Likely benign. Review status: criteria provided, single submitter (1 of 4 stars). 2 submissions from 2 submitters: Likely benign (1). 1 of the submissions does not count toward it. Last evaluated 2024-11-26.

Conditions:
LRP2-related disorder. Also called: LRP2-related condition.

Allele frequency attached by ClinVar (database versions not stated): gnomAD 0.00001; ExAC 0.00002; gnomAD exomes 0.00002; TOPMed 0.00002.
gnomAD v4.1: 31 of 1,613,920 alleles (0.0019%); highest among the groups gnomAD compares: Non-Finnish European, 0.0025%; no homozygotes.

Submissions (2):

Labcorp Genetics (formerly Invitae), Labcorp
Classification: Likely benign. Last evaluated: 2024-11-26. Review status: criteria provided, single submitter. Criteria: Invitae Variant Classification Sherloc (09022015). Collection method: clinical testing. Allele origin: germline.

PreventionGenetics, part of Exact Sciences
Classification: Likely benign for LRP2-related condition. Last evaluated: 2019-09-19. Review status: no assertion criteria provided. Collection method: clinical testing. Allele origin: germline. Not counted in ClinVar's aggregate classification.
Comment: This variant is classified as likely benign based on ACMG/AMP sequence variant interpretation guidelines (Richards et al. 2015 PMID: 25741868, with internal and published modifications).

NM_004525.3(LRP2):c.8517T>G (p.Val2839=)

Gene: LRP2 (LDL receptor related protein 2; minus strand). Cytogenetic location: 2q31.1.
Variant type: single nucleotide variant.
Coding change: c.8517T>G on transcript NM_004525.3 (MANE Select); coding-DNA position 8517, T replaced by G.
Protein change: p.Val2839=; no amino-acid change (valine 2839 retained).
Molecular consequence: synonymous variant.
Genome position (GRCh38, 1-based): chr2:169,198,847, A>C on the plus strand (T>G on the coding strand, the complement: LRP2 is on the minus strand). VCF-style: chr2-169198847-A-C. GRCh37 (hg19) VCF-style: chr2-170055357-A-C.
Other names: c.8517T>G (NM_004525.2).
Identifiers: ClinVar variation 2903994 (VCV002903994.4), dbSNP rs777359485, ClinGen allele CA1953831.